The following is an entry in ClinVar:

ClinVar aggregate classification (germline): Conflicting classifications of pathogenicity. Review status: criteria provided, conflicting classifications (1 of 4 stars). 6 submissions from 5 submitters: Uncertain significance (4); Likely benign (1). 1 of the submissions does not count toward it. Last evaluated 2022-10-27.

Conditions:
Mitochondrial complex I deficiency, nuclear type 1. Also called: NADH-COENZYME Q REDUCTASE DEFICIENCY; MITOCHONDRIAL NADH DEHYDROGENASE COMPONENT OF COMPLEX I, DEFICIENCY OF. Identifiers: MedGen C6022305, MONDO:0100224, OMIM 252010.
Inborn genetic diseases. Identifiers: MedGen C0950123, MeSH D030342.
Leigh syndrome (NULS). Also called: LEIGH SYNDROME, NUCLEAR; Leigh Disease; Leigh's necrotizing encephalopathy; Leigh's disease; Leigh Syndrome (mtDNA deletion); Subacute necrotizing encephalopathy. Identifiers: Orphanet 506, MedGen C2931891, MONDO:0009723, OMIM 256000.
NDUFS4-related disorder. Also called: NDUFS4-related condition.
Mitochondrial complex I deficiency. Also called: NADH:Q(1) OXIDOREDUCTASE DEFICIENCY. Identifiers: Orphanet 2609, MedGen C1838979, MeSH C537475, MONDO:0100133.

Allele frequency attached by ClinVar (database versions not stated): gnomAD exomes 0.00013 and 0.00029; gnomAD 0.00015; ExAC 0.00021; TOPMed 0.00022.

Submissions (6):

Ambry Genetics
Classification: Likely benign for Inborn genetic diseases. Last evaluated: 2022-10-27. Review status: criteria provided, single submitter. Criteria: Ambry Variant Classification Scheme 2023. Collection method: clinical testing. Allele origin: germline.

GeneDx
Classification: Uncertain significance. Last evaluated: 2022-04-08. Review status: criteria provided, single submitter. Criteria: GeneDx Variant Classification Process June 2021. Collection method: clinical testing. Allele origin: germline. Affected: yes.
Comment: In silico analysis supports that this missense variant does not alter protein structure/function; Has not been previously published as pathogenic or benign to our knowledge

Illumina Laboratory Services, Illumina
Classification: Uncertain significance for Mitochondrial complex I deficiency, nuclear type 1. Last evaluated: 2018-01-12. Review status: criteria provided, single submitter. Criteria: ICSL Variant Classification Criteria 13 December 2019. Collection method: clinical testing. Allele origin: germline.

Illumina Laboratory Services, Illumina
Classification: Uncertain significance for Leigh syndrome. Last evaluated: 2018-01-12. Review status: criteria provided, single submitter. Criteria: ICSL Variant Classification Criteria 13 December 2019. Collection method: clinical testing. Allele origin: germline.

Mayo Clinic Laboratories, Mayo Clinic
Classification: Uncertain significance for Mitochondrial complex I deficiency, nuclear type 1; Leigh syndrome. Last evaluated: 2016-12-22. Review status: criteria provided, single submitter. Criteria: ACMG Guidelines, 2015. Collection method: clinical testing. Allele origin: maternal.

PreventionGenetics, part of Exact Sciences
Classification: Likely benign for NDUFS4-related condition. Last evaluated: 2021-09-30. Review status: no assertion criteria provided. Collection method: clinical testing. Allele origin: germline. Not counted in ClinVar's aggregate classification.
Comment: This variant is classified as likely benign based on ACMG/AMP sequence variant interpretation guidelines (Richards et al. 2015 PMID: 25741868, with internal and published modifications).

NM_002495.4(NDUFS4):c.13T>C (p.Ser5Pro)

Genes: NDUFS4 (NADH:ubiquinone oxidoreductase subunit S4; plus strand), LOC129993885 (ATAC-STARR-seq lymphoblastoid active region 22547; plus strand). Cytogenetic location: 5q11.2.
Variant type: single nucleotide variant.
Coding change: c.13T>C on transcript NM_002495.4 (MANE Select); coding-DNA position 13, T replaced by C.
Protein change: p.Ser5Pro; replaces serine 5 with proline.
Molecular consequence: missense variant. On other transcripts: non-coding transcript variant (3).
Genome position (GRCh38, 1-based): chr5:53,560,675, T>C. VCF-style: chr5-53560675-T-C. GRCh37 (hg19) VCF-style: chr5-52856505-T-C.
Other names: c.13T>C, p.Ser5Pro (NM_001318051.2); short protein forms S5P.
Identifiers: ClinVar variation 214817 (VCV000214817.15), dbSNP rs149323691, ClinGen allele CA323413.